The following is an entry in ClinVar:

ClinVar aggregate classification (germline): Pathogenic. Review status: criteria provided, multiple submitters, no conflicts (2 of 4 stars). 2 submissions from 2 submitters: Pathogenic (2). Last evaluated 2022-12-06.

Conditions:
Kabuki syndrome. Also called: Kabuki make-up syndrome; NIIKAWA-KUROKI SYNDROME. Identifiers: Orphanet 2322, MedGen C0796004, MONDO:0016512.
Kabuki syndrome 1 (KABUK1). Also called: KMT2D-Related Kabuki Syndrome. Identifiers: Orphanet 2322, MedGen CN030661, MONDO:0007843, OMIM 147920.

Submissions (2):

Labcorp Genetics (formerly Invitae), Labcorp
Classification: Pathogenic for Kabuki syndrome. Last evaluated: 2022-12-06. Review status: criteria provided, single submitter. Criteria: Invitae Variant Classification Sherloc (09022015). Collection method: clinical testing. Allele origin: germline.
Comment: For these reasons, this variant has been classified as Pathogenic. ClinVar contains an entry for this variant (Variation ID: 523017). This variant has not been reported in the literature in individuals affected with KMT2D-related conditions. This variant is not present in population databases (gnomAD no frequency). This sequence change creates a premature translational stop signal (p.Tyr4606*) in the KMT2D gene. It is expected to result in an absent or disrupted protein product. Loss-of-function variants in KMT2D are known to be pathogenic (PMID: 22126750).

Genomic Research Center, Shahid Beheshti University of Medical Sciences
Classification: Pathogenic for Kabuki syndrome 1. Last evaluated: 2017-12-18. Review status: criteria provided, single submitter. Criteria: ACMG Guidelines, 2015. Collection method: clinical testing. Allele origin: inherited. Affected: yes.

Literature cited by the submitters: PubMed 22126750 (cited by Labcorp Genetics (formerly Invitae), Labcorp).

NM_003482.4(KMT2D):c.13818C>G (p.Tyr4606Ter)

Gene: KMT2D (lysine methyltransferase 2D; minus strand). Cytogenetic location: 12q13.12.
Variant type: single nucleotide variant.
Coding change: c.13818C>G on transcript NM_003482.4 (MANE Select); coding-DNA position 13818, C replaced by G.
Protein change: p.Tyr4606Ter; replaces tyrosine 4606 with a stop codon.
Molecular consequence: nonsense.
Genome position (GRCh38, 1-based): chr12:49,030,622, G>C on the plus strand (C>G on the coding strand, the complement: KMT2D is on the minus strand). VCF-style: chr12-49030622-G-C. GRCh37 (hg19) VCF-style: chr12-49424405-G-C.
Other names: short protein forms Y4606*.
Identifiers: ClinVar variation 523017 (VCV000523017.12), dbSNP rs1555187117, ClinGen allele CA384701705.
Genomic context (GRCh38, chr12:49,030,622, plus strand): 5'-AACTTCACTATTCCCAAAAAATATTGCCATTTTTCTGACCTTGGTAAGCAGCTGGGAATA[G>C]TAGTCAGGGCCAGTGGGCAGCGCCCCACTTCCAAAGGCCCCCCTCAGCTGGCTCTGCCCA-3'